The following is an entry in ClinVar:

NM_004656.4(BAP1):c.899G>A (p.Arg300Lys)

Gene: BAP1 (BRCA1 associated deubiquitinase 1; minus strand). Cytogenetic location: 3p21.1.
Variant type: single nucleotide variant.
Coding change: c.899G>A on transcript NM_004656.4 (MANE Select); coding-DNA position 899, G replaced by A.
Protein change: p.Arg300Lys; replaces arginine 300 with lysine.
Molecular consequence: missense variant.
Genome position (GRCh38, 1-based): chr3:52,405,797, C>T on the plus strand (G>A on the coding strand, the complement: BAP1 is on the minus strand). VCF-style: chr3-52405797-C-T. GRCh37 (hg19) VCF-style: chr3-52439813-C-T.
Other names: short protein forms R300K.
Identifiers: ClinVar variation 1354778 (VCV001354778.10), dbSNP rs2153227223, ClinGen allele CA353106601.
Genomic context (GRCh38, chr3:52,405,797, plus strand): 5'-CCACAAGAGGTCCCAAACCCCCCAGTACCTGTGTGGTTGCCCTCAGAGGCTGCAGGGGCC[C>T]TGTTTGCTTCCAGCACCAGCGGGGACTTGTTGCTGGCTGACTTGGACTCCTCAGGCAGCT-3'
Protein context (NP_004647.1, residues 290-310): NKSPLVLEAN[Arg300Lys]APAASEGNHT

ClinVar aggregate classification (germline): Uncertain significance. Review status: criteria provided, multiple submitters, no conflicts (2 of 4 stars). 2 submissions from 2 submitters: Uncertain significance (2). Last evaluated 2024-09-26.

Conditions:
Hereditary cancer-predisposing syndrome. Also called: Neoplastic Syndromes, Hereditary; Tumor predisposition; Hereditary neoplastic syndrome; Hereditary Cancer Syndrome. Identifiers: Orphanet 140162, MedGen C0027672, MeSH D009386, MONDO:0015356.
BAP1-related tumor predisposition syndrome (TPDS1). Also called: COMMON Syndrome; Tumor susceptibility linked to germline BAP1 mutations; TUMOR PREDISPOSITION SYNDROME 1; BAP1 tumor predisposition syndrome. Identifiers: Orphanet 289539, MedGen C3280492, MONDO:0013692, OMIM 614327.

Submissions (2):

Labcorp Genetics (formerly Invitae), Labcorp
Classification: Uncertain significance for BAP1-related tumor predisposition syndrome. Last evaluated: 2024-09-26. Review status: criteria provided, single submitter. Criteria: Invitae Variant Classification Sherloc (09022015). Collection method: clinical testing. Allele origin: germline.
Comment: This sequence change replaces arginine, which is basic and polar, with lysine, which is basic and polar, at codon 300 of the BAP1 protein (p.Arg300Lys). This variant is not present in population databases (gnomAD no frequency). This variant has not been reported in the literature in individuals affected with BAP1-related conditions. ClinVar contains an entry for this variant (Variation ID: 1354778). An algorithm developed to predict the effect of missense changes on protein structure and function outputs the following: PolyPhen-2: "Benign". The lysine amino acid residue is found in multiple mammalian species, which suggests that this missense change does not adversely affect protein function. In summary, the available evidence is currently insufficient to determine the role of this variant in disease. Therefore, it has been classified as a Variant of Uncertain Significance.

Ambry Genetics
Classification: Uncertain significance for Hereditary cancer-predisposing syndrome. Last evaluated: 2020-06-15. Review status: criteria provided, single submitter. Criteria: Ambry Variant Classification Scheme 2023. Collection method: clinical testing. Allele origin: germline.
Comment: The p.R300K variant (also known as c.899G>A), located in coding exon 10 of the BAP1 gene, results from a G to A substitution at nucleotide position 899. The arginine at codon 300 is replaced by lysine, an amino acid with highly similar properties. This amino acid position is highly conserved in available vertebrate species. In addition, this alteration is predicted to be tolerated by in silico analysis. Since supporting evidence is limited at this time, the clinical significance of this alteration remains unclear.